The following is an entry in ClinVar:

NM_002392.6(MDM2):c.524-2A>G

Gene: MDM2 (MDM2 proto-oncogene; plus strand). Cytogenetic location: 12q15.
Variant type: single nucleotide variant.
Coding change: c.524-2A>G on transcript NM_002392.6 (MANE Select); the canonical splice acceptor site of the intron before coding-DNA position 524, A replaced by G.
Molecular consequence: splice acceptor variant. On other transcripts: intron variant (2).
Genome position (GRCh38, 1-based): chr12:68,828,769, A>G. VCF-style: chr12-68828769-A-G. GRCh37 (hg19) VCF-style: chr12-69222549-A-G.
Other names: c.359-2A>G (NM_001145339.2); c.506-2A>G (NM_001367990.1, NM_001145337.3); c.157-7060A>G (NM_001278462.2, NM_001145340.3).
Identifiers: ClinVar variation 2842828 (VCV002842828.3), dbSNP rs1882549644, ClinGen allele CA385706289.

ClinVar aggregate classification (germline): Uncertain significance (1 of 4 stars; one submission).

Conditions:
Accelerated tumor formation, susceptibility to (ACTFS). Identifiers: MedGen C3280690, OMIM 614401, MONDO:0013733.

Allele frequency attached by ClinVar (database versions not stated): TOPMed below 0.00001.

Submission:

Labcorp Genetics (formerly Invitae), Labcorp
Classification: Uncertain significance for Accelerated tumor formation, susceptibility to. Last evaluated: 2023-03-04. Review status: criteria provided, single submitter. Criteria: Invitae Variant Classification Sherloc (09022015). Collection method: clinical testing. Allele origin: germline.
Comment: This sequence change affects an acceptor splice site in intron 7 of the MDM2 gene. It is expected to disrupt RNA splicing. Variants that disrupt the donor or acceptor splice site typically lead to a loss of protein function (PMID: 16199547), however the current clinical and genetic evidence is not sufficient to establish whether loss-of-function variants in MDM2 cause disease. This variant is not present in population databases (gnomAD no frequency). This variant has not been reported in the literature in individuals affected with MDM2-related conditions. Algorithms developed to predict the effect of sequence changes on RNA splicing suggest that this variant may disrupt the consensus splice site. In summary, the available evidence is currently insufficient to determine the role of this variant in disease. Therefore, it has been classified as a Variant of Uncertain Significance.

Literature cited by the submitters: PubMed 16199547.